The following is an entry in ClinVar:

ClinVar aggregate classification (germline): Likely benign (1 of 4 stars; one submission).

Submission:

GeneDx
Classification: Likely benign. Last evaluated: 2016-12-20. Review status: criteria provided, single submitter. Criteria: GeneDx Variant Classification (06012015). Collection method: clinical testing. Allele origin: germline. Affected: yes.
Comment: This variant is considered likely benign or benign based on one or more of the following criteria: it is a conservative change, it occurs at a poorly conserved position in the protein, it is predicted to be benign by multiple in silico algorithms, and/or has population frequency not consistent with disease.

NM_015340.4(LARS2):c.235-19C>A

Gene: LARS2 (leucyl-tRNA synthetase 2, mitochondrial; plus strand). Cytogenetic location: 3p21.31.
Variant type: single nucleotide variant.
Coding change: c.235-19C>A on transcript NM_015340.4 (MANE Select); 19 bases into the intron before coding-DNA position 235, C replaced by A.
Molecular consequence: intron variant.
Genome position (GRCh38, 1-based): chr3:45,400,226, C>A. VCF-style: chr3-45400226-C-A. GRCh37 (hg19) VCF-style: chr3-45441718-C-A.
Other names: c.235-19C>A (NM_001368263.1).
Identifiers: ClinVar variation 391682 (VCV000391682.1), dbSNP rs1057524188, ClinGen allele CA16604941.